The following is an entry in ClinVar:

NM_015046.7(SETX):c.2057G>A (p.Gly686Glu)

Gene: SETX (senataxin; minus strand). Cytogenetic location: 9q34.13.
Variant type: single nucleotide variant.
Coding change: c.2057G>A on transcript NM_015046.7 (MANE Select); coding-DNA position 2057, G replaced by A.
Protein change: p.Gly686Glu; replaces glycine 686 with glutamic acid.
Molecular consequence: missense variant.
Genome position (GRCh38, 1-based): chr9:132,329,541, C>T on the plus strand (G>A on the coding strand, the complement: SETX is on the minus strand). VCF-style: chr9-132329541-C-T. GRCh37 (hg19) VCF-style: chr9-135204928-C-T.
Other names: c.2057G>A, p.Gly686Glu (NM_001351527.2, NM_001351528.2); short protein forms G686E.
Identifiers: ClinVar variation 1785149 (VCV001785149.2), dbSNP rs750853194, ClinGen allele CA375337072.

ClinVar aggregate classification (germline): Uncertain significance (1 of 4 stars; one submission).

Conditions:
Inborn genetic diseases. Identifiers: MedGen C0950123, MeSH D030342.

gnomAD v4.1: 1 of 1,613,162 alleles (0.000062%); highest among the groups gnomAD compares: Non-Finnish European, 0.000085%; no homozygotes.

Submission:

Ambry Genetics
Classification: Uncertain significance for Inborn genetic diseases. Last evaluated: 2019-11-27. Review status: criteria provided, single submitter. Criteria: Ambry Variant Classification Scheme 2023. Collection method: clinical testing. Allele origin: germline.
Comment: The p.G686E variant (also known as c.2057G>A), located in coding exon 8 of the SETX gene, results from a G to A substitution at nucleotide position 2057. The glycine at codon 686 is replaced by glutamic acid, an amino acid with similar properties. This amino acid position is poorly conserved in available vertebrate species. In addition, this alteration is predicted to be tolerated by in silico analysis. Since supporting evidence is limited at this time, the clinical significance of this alteration remains unclear.